The following is an entry in ClinVar:

ClinVar aggregate classification (germline): Pathogenic (1 of 4 stars; one submission).

Conditions:
Primary ciliary dyskinesia. Also called: Ciliary dyskinesia. Identifiers: Orphanet 244, MedGen C0008780, MONDO:0016575, HP:0012265.

Submission:

Labcorp Genetics (formerly Invitae), Labcorp
Classification: Pathogenic for Primary ciliary dyskinesia. Last evaluated: 2023-07-31. Review status: criteria provided, single submitter. Criteria: Invitae Variant Classification Sherloc (09022015). Collection method: clinical testing. Allele origin: germline.
Comment: This variant is not present in population databases (gnomAD no frequency). For these reasons, this variant has been classified as Pathogenic. This variant has not been reported in the literature in individuals affected with RPGR-related conditions. This sequence change creates a premature translational stop signal (p.Pro37Hisfs*27) in the RPGR gene. It is expected to result in an absent or disrupted protein product. Loss-of-function variants in RPGR are known to be pathogenic (PMID: 16055928, 16969763).

Literature cited by the submitters: PubMed 16055928; PubMed 16969763.

NM_001034853.2(RPGR):c.110_122del (p.Pro37fs)

Gene: RPGR (retinitis pigmentosa GTPase regulator; minus strand). Cytogenetic location: Xp11.4.
Variant type: Deletion.
Coding change: c.110_122del on transcript NM_001034853.2 (MANE Select); coding-DNA positions 110 to 122, 13 bases deleted (CTGTACATCTTTC).
Protein change: p.Pro37fs; shifts the reading frame from proline 37.
Molecular consequence: frameshift variant. On other transcripts: non-coding transcript variant (6).
Genome position (GRCh38, 1-based): chrX:38,323,431-38,323,443, GAAAGATGTACAG deleted on the plus strand (CTGTACATCTTTC on the coding strand, the reverse complement: RPGR is on the minus strand); deleting any 13 consecutive bases within chrX:38,323,431-38,323,444 gives the same sequence; the c. name uses the placement nearest the transcript's 3' end. VCF-style (leftmost placement, unchanged base first): chrX-38323430-TGAAAGATGTACAG-T. GRCh37 (hg19) VCF-style: chrX-38182683-TGAAAGATGTACAG-T.
Other names: c.110_122del, p.Pro37fs (NM_000328.3, NM_001367245.1, NM_001367246.1 and 4 more transcripts); c.140_152del, p.Pro47fs (NM_001367248.1); short protein forms P47fs, P37fs.
Identifiers: ClinVar variation 2746019 (VCV002746019.3), dbSNP rs2519912109, ClinGen allele CA2697553057.